The following is an entry in ClinVar:

ClinVar aggregate classification (germline): Benign (0 of 4 stars; one submission).

Conditions:
MASP2-related disorder. Also called: MASP2-related condition.

Allele frequency attached by ClinVar (database versions not stated): ESP Exome Variant Server 0.00015; gnomAD 0.00094.
gnomAD v4.1: 861 of 1,614,022 alleles (0.053%); highest among the groups gnomAD compares: Non-Finnish European, 0.011%; 6 homozygotes.

Submission:

PreventionGenetics, part of Exact Sciences
Classification: Benign for MASP2-related condition. Last evaluated: 2019-07-15. Review status: no assertion criteria provided. Collection method: clinical testing. Allele origin: germline.
Comment: This variant is classified as benign based on ACMG/AMP sequence variant interpretation guidelines (Richards et al. 2015 PMID: 25741868, with internal and published modifications).

NM_006610.4(MASP2):c.1391G>C (p.Gly464Ala)

Genes: MASP2 (MBL associated serine protease 2; minus strand), TARDBP (TAR DNA binding protein; plus strand). Cytogenetic location: 1p36.22.
Variant type: single nucleotide variant.
Coding change: c.1391G>C on transcript NM_006610.4 (MANE Select); coding-DNA position 1391, G replaced by C.
Protein change: p.Gly464Ala; replaces glycine 464 with alanine.
Molecular consequence: missense variant.
Genome position (GRCh38, 1-based): chr1:11,027,555, C>G on the plus strand (G>C on the coding strand, the complement: MASP2 is on the minus strand). VCF-style: chr1-11027555-C-G. GRCh37 (hg19) VCF-style: chr1-11087612-C-G.
Other names: short protein forms G464A.
Identifiers: ClinVar variation 3050821 (VCV003050821.2), dbSNP rs150524896, ClinGen allele CA586676.